The following is an entry in ClinVar:

NM_032638.5(GATA2):c.1432G>A (p.Ala478Thr)

Gene: GATA2 (GATA binding protein 2; minus strand). Cytogenetic location: 3q21.3.
Variant type: single nucleotide variant.
Coding change: c.1432G>A on transcript NM_032638.5 (MANE Select); coding-DNA position 1432, G replaced by A.
Protein change: p.Ala478Thr; replaces alanine 478 with threonine.
Molecular consequence: missense variant.
Genome position (GRCh38, 1-based): chr3:128,481,030, C>T on the plus strand (G>A on the coding strand, the complement: GATA2 is on the minus strand). VCF-style: chr3-128481030-C-T. GRCh37 (hg19) VCF-style: chr3-128199873-C-T.
Other names: c.1432G>A, p.Ala478Thr (NM_001145661.2); c.1390G>A, p.Ala464Thr (NM_001145662.1); short protein forms A464T, A478T.
Identifiers: ClinVar variation 3365504 (VCV003365504.2).
Genomic context (GRCh38, chr3:128,481,030, plus strand): 5'-TTGGTCCACCCATCCCGGGAGTGCCCGGTCCTCGACGTCCATCTGTTCCCTAGCCCATGG[C>T]GGTCACCATGCTGGACGGGTGGGGGTGGCCGAAGGAGAGGCTGGAGGAGGGGTGGATGGG-3'
Protein context (NP_116027.2, residues 468-480): GHPHPSSMVT[Ala478Thr]MG

ClinVar aggregate classification (germline): Uncertain significance. Review status: criteria provided, multiple submitters, no conflicts (2 of 4 stars). 2 submissions from 2 submitters: Uncertain significance (2). Last evaluated 2025-06-23.

Conditions:
Inborn genetic diseases. Identifiers: MedGen C0950123, MeSH D030342.

gnomAD v4.1: 1 of 1,576,428 alleles (0.000063%); highest among the groups gnomAD compares: Non-Finnish European, 0.000086%; no homozygotes.

Submissions (2):

Ambry Genetics
Classification: Uncertain significance for Inborn genetic diseases. Last evaluated: 2025-06-23. Review status: criteria provided, single submitter. Criteria: Ambry Variant Classification Scheme 2023. Collection method: clinical testing. Allele origin: germline.
Comment: The p.A478T variant (also known as c.1432G>A), located in coding exon 5 of the GATA2 gene, results from a G to A substitution at nucleotide position 1432. The alanine at codon 478 is replaced by threonine, an amino acid with similar properties. This amino acid position is well conserved in available vertebrate species. In addition, the in silico prediction for this alteration is inconclusive. Based on the available evidence, the clinical significance of this variant remains unclear.

GeneDx
Classification: Uncertain significance. Last evaluated: 2023-12-12. Review status: criteria provided, single submitter. Criteria: GeneDx Variant Classification Process June 2021. Collection method: clinical testing. Allele origin: germline. Affected: yes.
Comment: Not observed at significant frequency in large population cohorts (gnomAD); In silico analysis supports that this missense variant does not alter protein structure/function; Has not been previously published as pathogenic or benign to our knowledge